The following is an entry in ClinVar:

NM_002691.4(POLD1):c.962del (p.Gly321fs)

Gene: POLD1 (DNA polymerase delta 1, catalytic subunit; plus strand). Cytogenetic location: 19q13.33.
Variant type: Deletion.
Coding change: c.962del on transcript NM_002691.4 (MANE Select); coding-DNA position 962, one base deleted (G; older notation c.962delG).
Protein change: p.Gly321fs; shifts the reading frame from glycine 321.
Molecular consequence: frameshift variant. On other transcripts: non-coding transcript variant (1).
Genome position (GRCh38, 1-based): chr19:50,402,733, G deleted; the last of 2 consecutive G bases (chr19:50,402,732-50,402,733); deleting either gives the same sequence. VCF-style (leftmost placement, unchanged base first): chr19-50402731-CG-C. GRCh37 (hg19) VCF-style: chr19-50905988-CG-C.
Other names: c.962del, p.Gly321fs (NM_001256849.1, NM_001308632.1); short protein forms G321fs.
Identifiers: ClinVar variation 574935 (VCV000574935.12), dbSNP rs1568621530, ClinGen allele CA891842321.

ClinVar aggregate classification (germline): Uncertain significance. Review status: criteria provided, multiple submitters, no conflicts (2 of 4 stars). 2 submissions from 2 submitters: Uncertain significance (2). Last evaluated 2025-10-21.

Conditions:
POLD1-related polyposis and colorectal cancer syndrome (CRCS10). Also called: Colorectal cancer 10; COLORECTAL CANCER, SUSCEPTIBILITY TO, ON CHROMOSOME 19q; Colorectal cancer, susceptibility to, 10. Identifiers: Orphanet 220460, MedGen C2675481, MONDO:0012953, OMIM 612591.
Hereditary cancer-predisposing syndrome. Also called: Tumor predisposition; Neoplastic Syndromes, Hereditary; Hereditary Cancer Syndrome; Hereditary neoplastic syndrome. Identifiers: Orphanet 140162, MedGen C0027672, MeSH D009386, MONDO:0015356.

Submissions (2):

Ambry Genetics
Classification: Uncertain significance for Hereditary cancer-predisposing syndrome. Last evaluated: 2025-10-21. Review status: criteria provided, single submitter. Criteria: Ambry Variant Classification Scheme 2023. Collection method: clinical testing. Allele origin: germline.
Comment: The c.962delG variant, located in coding exon 7 of the POLD1 gene, results from a deletion of one nucleotide at nucleotide position 962, causing a translational frameshift with a predicted alternate stop codon (p.G321Afs*72). This alteration is expected to result in loss of function by premature protein truncation or nonsense-mediated mRNA decay. However, loss of function has not been established as a mechanism of disease. Based on the available evidence, the clinical significance of this alteration remains unclear.

Labcorp Genetics (formerly Invitae), Labcorp
Classification: Uncertain significance for POLD1-related polyposis and colorectal cancer syndrome. Last evaluated: 2023-10-05. Review status: criteria provided, single submitter. Criteria: Invitae Variant Classification Sherloc (09022015). Collection method: clinical testing. Allele origin: germline.
Comment: This sequence change creates a premature translational stop signal (p.Gly321Alafs*72) in the POLD1 gene. Missense variants that disrupt the 3'-5' exonuclease (proof-reading) activity of the POLD1 protein are associated with PPAP (polymerase proofreading–associated polyposis) (PMID: 23263490, 23447401). However, loss-of-function variants that result in an absent or severely disrupted POLD1 protein, and missense variants outside the exonuclease domain, are unlikely to be associated with PPAP. This variant is not present in population databases (gnomAD no frequency). This variant has not been reported in the literature in individuals affected with POLD1-related conditions. ClinVar contains an entry for this variant (Variation ID: 574935). In summary, the available evidence is currently insufficient to determine the role of this variant in disease. Therefore, it has been classified as a Variant of Uncertain Significance.

Literature cited by the submitters: PubMed 23263490 (cited by Labcorp Genetics (formerly Invitae), Labcorp); PubMed 23447401 (cited by Labcorp Genetics (formerly Invitae), Labcorp).